The following is an entry in ClinVar:

NM_001953.5(TYMP):c.48_49del (p.Asp17fs)

Gene: TYMP (thymidine phosphorylase; minus strand). Cytogenetic location: 22q13.33.
Variant type: Deletion.
Coding change: c.48_49del on transcript NM_001953.5 (MANE Select); coding-DNA positions 48 to 49, 2 bases deleted (TG; older notation c.48_49delTG).
Protein change: p.Asp17fs; shifts the reading frame from aspartic acid 17.
Molecular consequence: frameshift variant.
Genome position (GRCh38, 1-based): chr22:50,529,661-50,529,662, CA deleted on the plus strand (TG on the coding strand, the reverse complement: TYMP is on the minus strand); deleting any 2 consecutive bases within chr22:50,529,661-50,529,663 gives the same sequence; the c. name uses the placement nearest the transcript's 3' end. VCF-style (leftmost placement, unchanged base first): chr22-50529660-TCA-T. GRCh37 (hg19) VCF-style: chr22-50968089-TCA-T.
Other names: c.48_49del, p.Asp17fs (NM_001113755.3, NM_001113756.3, NM_001257988.1 and 1 more transcripts); short protein forms D17fs.
Identifiers: ClinVar variation 5016403 (VCV005016403.1).

ClinVar aggregate classification (germline): Pathogenic (1 of 4 stars; one submission).

Conditions:
Mitochondrial DNA depletion syndrome 1. Also called: POLIP SYNDROME; POLYNEUROPATHY, OPHTHALMOPLEGIA, LEUKOENCEPHALOPATHY, AND INTESTINAL PSEUDOOBSTRUCTION; Mitochondrial Neurogastrointestinal Encephalopathy Disease; MITOCHONDRIAL NEUROGASTROINTESTINAL ENCEPHALOPATHY SYNDROME, TYMP-RELATED; MNGIE, TYMP-RELATED; Mitochondrial neurogastrointestinal encephalomyopathy syndrome. Identifiers: Orphanet 298, MedGen C4551995, MONDO:0011283, OMIM 603041.

Submission:

Myriad Genetics, Inc.
Classification: Pathogenic for Mitochondrial DNA depletion syndrome 1. Last evaluated: 2026-03-19. Review status: criteria provided, single submitter. Criteria: Myriad Autosomal Dominant, Autosomal Recessive and X-Linked Classification Criteria (2023). Collection method: clinical testing. Allele origin: unknown.
Comment: NM_001953.4(TYMP):c.48_49delTG(D17Lfs*106) is expected to be pathogenic in the context of mitochondrial neurogastrointestinal encephalopathy disease. This variant is predicted to lead to an abnormal or absent protein product due to the creation of a premature termination codon in TYMP, a gene where loss-of-function variants are known to be pathogenic. Please note: this variant was assessed in the context of healthy population screening.